The following is an entry in ClinVar:

NM_007289.4(MME):c.779A>C (p.Glu260Ala)

Gene: MME (membrane metalloendopeptidase; plus strand). Cytogenetic location: 3q25.2.
Variant type: single nucleotide variant.
Coding change: c.779A>C on transcript NM_007289.4 (MANE Select); coding-DNA position 779, A replaced by C.
Protein change: p.Glu260Ala; replaces glutamic acid 260 with alanine.
Molecular consequence: missense variant.
Genome position (GRCh38, 1-based): chr3:155,138,160, A>C. VCF-style: chr3-155138160-A-C. GRCh37 (hg19) VCF-style: chr3-154855949-A-C.
Other names: c.779A>C, p.Glu260Ala (NM_000902.5, NM_001354642.2, NM_001354643.1 and 2 more transcripts); short protein forms E260A.
Identifiers: ClinVar variation 1357493 (VCV001357493.8), dbSNP rs200279069, ClinGen allele CA355129288.

ClinVar aggregate classification (germline): Uncertain significance (1 of 4 stars; one submission).

Allele frequency attached by ClinVar (database versions not stated): gnomAD 0.00001; TOPMed 0.00001.
gnomAD v4.1: 14 of 1,613,680 alleles (0.00087%); highest among the groups gnomAD compares: Non-Finnish European, 0.0012%; no homozygotes.

Submission:

Labcorp Genetics (formerly Invitae), Labcorp
Classification: Uncertain significance. Last evaluated: 2021-05-30. Review status: criteria provided, single submitter. Criteria: Invitae Variant Classification Sherloc (09022015). Collection method: clinical testing. Allele origin: germline.
Comment: In summary, the available evidence is currently insufficient to determine the role of this variant in disease. Therefore, it has been classified as a Variant of Uncertain Significance. Algorithms developed to predict the effect of missense changes on protein structure and function (SIFT, PolyPhen-2, Align-GVGD) all suggest that this variant is likely to be tolerated, but these predictions have not been confirmed by published functional studies and their clinical significance is uncertain. This variant has not been reported in the literature in individuals with MME-related conditions. This variant is not present in population databases (ExAC no frequency). This sequence change replaces glutamic acid with alanine at codon 260 of the MME protein (p.Glu260Ala). The glutamic acid residue is weakly conserved and there is a moderate physicochemical difference between glutamic acid and alanine.